The following is an entry in ClinVar:

ClinVar aggregate classification (germline): Uncertain significance. Review status: criteria provided, multiple submitters, no conflicts (2 of 4 stars). 2 submissions from 2 submitters: Uncertain significance (2). Last evaluated 2024-07-23.

Allele frequency attached by ClinVar (database versions not stated): gnomAD exomes below 0.00001; ExAC 0.00001; gnomAD 0.00001; TOPMed 0.00002.
gnomAD v4.1: 5 of 1,606,192 alleles (0.00031%); highest among the groups gnomAD compares: Admixed American, 0.0017%; no homozygotes.

Submissions (2):

Labcorp Genetics (formerly Invitae), Labcorp
Classification: Uncertain significance. Last evaluated: 2024-07-23. Review status: criteria provided, single submitter. Criteria: Invitae Variant Classification Sherloc (09022015). Collection method: clinical testing. Allele origin: germline.
Comment: This sequence change replaces proline, which is neutral and non-polar, with leucine, which is neutral and non-polar, at codon 265 of the RFWD3 protein (p.Pro265Leu). This variant is present in population databases (rs761136585, gnomAD 0.005%). This variant has not been reported in the literature in individuals affected with RFWD3-related conditions. An algorithm developed to predict the effect of missense changes on protein structure and function (PolyPhen-2) suggests that this variant is likely to be tolerated. In summary, the available evidence is currently insufficient to determine the role of this variant in disease. Therefore, it has been classified as a Variant of Uncertain Significance.

Ambry Genetics
Classification: Uncertain significance. Last evaluated: 2023-12-08. Review status: criteria provided, single submitter. Criteria: Ambry Variant Classification Scheme 2023. Collection method: clinical testing. Allele origin: germline.

NM_018124.4(RFWD3):c.794C>T (p.Pro265Leu)

Gene: RFWD3 (ring finger and WD repeat domain 3; minus strand). Cytogenetic location: 16q23.1.
Variant type: single nucleotide variant.
Coding change: c.794C>T on transcript NM_018124.4 (MANE Select); coding-DNA position 794, C replaced by T.
Protein change: p.Pro265Leu; replaces proline 265 with leucine.
Molecular consequence: missense variant. On other transcripts: 5 prime UTR variant (5).
Genome position (GRCh38, 1-based): chr16:74,644,734, G>A on the plus strand (C>T on the coding strand, the complement: RFWD3 is on the minus strand). VCF-style: chr16-74644734-G-A. GRCh37 (hg19) VCF-style: chr16-74678632-G-A.
Other names: c.794C>T, p.Pro265Leu (NM_001370534.1, NM_001370535.1, NM_001370536.1); c.-41C>T (NM_001370537.1, NM_001370539.1, NM_001370540.1 and 3 more transcripts); short protein forms P265L.
Identifiers: ClinVar variation 3153451 (VCV003153451.3), dbSNP rs761136585, ClinGen allele CA8169416.